The following is an entry in ClinVar:

NM_152564.5(VPS13B):c.8341G>T (p.Glu2781Ter)

Gene: VPS13B (vacuolar protein sorting 13 homolog B; plus strand). Cytogenetic location: 8q22.2.
Variant type: single nucleotide variant.
Coding change: c.8341G>T on transcript NM_152564.5 (MANE Select); coding-DNA position 8341, G replaced by T.
Protein change: p.Glu2781Ter; replaces glutamic acid 2781 with a stop codon.
Molecular consequence: nonsense.
Genome position (GRCh38, 1-based): chr8:99,817,783, G>T. VCF-style: chr8-99817783-G-T. GRCh37 (hg19) VCF-style: chr8-100830011-G-T.
Other names: c.8416G>T (NM_017890.4); c.8416G>T, p.Glu2806Ter (NM_017890.5); c.8341G>T (NM_152564.4); short protein forms E2781*, E2806*.
Identifiers: ClinVar variation 1071088 (VCV001071088.15), dbSNP rs1379711249, ClinGen allele CA371773428.

ClinVar aggregate classification (germline): Pathogenic/Likely pathogenic. Review status: criteria provided, multiple submitters, no conflicts (2 of 4 stars). 5 submissions from 5 submitters: Pathogenic (2); Likely pathogenic (3). Last evaluated 2026-05-27.

Conditions:
VPS13B-related disorder. Also called: VPS13B-related condition.
Cohen syndrome (COH1). Also called: Cutis verticis gyrata, retinitis pigmentosa, and sensorineural deafness; PEPPER SYNDROME. Identifiers: Orphanet 193, MedGen C0265223, MONDO:0008999, OMIM 216550.

Allele frequency attached by ClinVar (database versions not stated): gnomAD exomes below 0.00001; TOPMed below 0.00001.
gnomAD v4.1: 1 of 1,614,074 alleles (0.000062%); highest among the groups gnomAD compares: Admixed American, 0.0017%; no homozygotes.

Submissions (5):

PreventionGenetics, part of Exact Sciences
Classification: Likely pathogenic for VPS13B-related condition. Last evaluated: 2026-05-27. Review status: criteria provided, single submitter. Criteria: ACMG Guidelines, 2015. Collection method: clinical testing. Allele origin: germline.
Comment: The VPS13B c.8341G>T variant is predicted to result in premature protein termination (p.Glu2781*). To our knowledge, this variant has not been reported in the literature. This variant is reported in 0.0029% of alleles in individuals of Latino descent in gnomAD. Nonsense variants in VPS13B are expected to be pathogenic. This variant is interpreted as likely pathogenic.

CeGaT Center for Human Genetics Tuebingen
Classification: Pathogenic. Last evaluated: 2025-12-01. Review status: criteria provided, single submitter. Criteria: CeGaT Center For Human Genetics Tuebingen Variant Classification Criteria Version 2. Collection method: clinical testing. Allele origin: germline. Affected: yes. Observed: 1 variant allele.
Comment: VPS13B: PVS1, PM2, PM3:Supporting

Natera, Inc.
Classification: Likely pathogenic for Cohen syndrome. Last evaluated: 2025-08-21. Review status: criteria provided, single submitter. Criteria: Natera Variant Classification Schema (03/2026). Collection method: clinical testing. Allele origin: germline.
Comment: The c.8416G>T variant in VPS13B is a nonsense variant predicted to introduce a stop codon at amino acid 2806. This variant is expected to result in nonsense mediated decay, truncation, or a dysfunctional protein product. This variant is rare in the general population with a frequency below the threshold expected for the associated phenotype(s). Given the available evidence, this variant is classified as Likely Pathogenic.

Fulgent Genetics
Classification: Likely pathogenic for Cohen syndrome. Last evaluated: 2024-02-02. Review status: criteria provided, single submitter. Criteria: ACMG Guidelines, 2015. Collection method: clinical testing. Allele origin: germline.

Labcorp Genetics (formerly Invitae), Labcorp
Classification: Pathogenic for Cohen syndrome. Last evaluated: 2023-07-07. Review status: criteria provided, single submitter. Criteria: Invitae Variant Classification Sherloc (09022015). Collection method: clinical testing. Allele origin: germline.
Comment: This variant is present in population databases (no rsID available, gnomAD no frequency). This sequence change creates a premature translational stop signal (p.Glu2806*) in the VPS13B gene. It is expected to result in an absent or disrupted protein product. Loss-of-function variants in VPS13B are known to be pathogenic (PMID: 15141358, 16648375, 20461111). This variant has not been reported in the literature in individuals affected with VPS13B-related conditions. For these reasons, this variant has been classified as Pathogenic. ClinVar contains an entry for this variant (Variation ID: 1071088).

Literature cited by the submitters: PubMed 15141358 (cited by Labcorp Genetics (formerly Invitae), Labcorp); PubMed 16648375 (cited by Labcorp Genetics (formerly Invitae), Labcorp); PubMed 20461111 (cited by Labcorp Genetics (formerly Invitae), Labcorp).